The following is an entry in ClinVar:

NM_000410.4(HFE):c.341-12G>A

Gene: HFE (homeostatic iron regulator; plus strand). Cytogenetic location: 6p22.2.
Variant type: single nucleotide variant.
Coding change: c.341-12G>A on transcript NM_000410.4 (MANE Select); 12 bases into the intron before coding-DNA position 341, G replaced by A.
Molecular consequence: intron variant.
Genome position (GRCh38, 1-based): chr6:26,091,302, G>A. VCF-style: chr6-26091302-G-A. GRCh37 (hg19) VCF-style: chr6-26091530-G-A.
Other names: c.341-12G>A (NM_001406751.1, NM_001384164.1, NM_001300749.3 and 1 more transcripts); c.340+198G>A (NM_139004.3, NM_139003.3); c.272-12G>A (NM_139009.3); c.77-12G>A (NM_139007.3, NM_001406752.1, NM_139008.3); c.77-1383G>A (NM_139010.3); c.77-1817G>A (NM_139011.3).
Identifiers: ClinVar variation 2015257 (VCV002015257.4), dbSNP rs1407042975, ClinGen allele CA566288187.
Genomic context (GRCh38, chr6:26,091,302, plus strand): 5'-TGGTCCTTGGGGATGGTGGAAATAGGGACCTATTCCTTTGGTTGCAGTTAACAAGGCTGG[G>A]GATTTTTCCAGAGTCCCACACCCTGCAGGTCATCCTGGGCTGTGAAATGCAAGAAGACAA-3'

ClinVar aggregate classification (germline): Uncertain significance (1 of 4 stars; one submission).

Conditions:
Hereditary hemochromatosis (HFE). Identifiers: MedGen C0392514, MONDO:0006507. Disease mechanism: loss of function.

Allele frequency attached by ClinVar (database versions not stated): gnomAD exomes below 0.00001.
gnomAD v4.1: 3 of 1,614,108 alleles (0.00019%); highest among the groups gnomAD compares: Non-Finnish European, 0.00025%; no homozygotes.

Submission:

Labcorp Genetics (formerly Invitae), Labcorp
Classification: Uncertain significance for Hereditary hemochromatosis. Last evaluated: 2022-07-09. Review status: criteria provided, single submitter. Criteria: Invitae Variant Classification Sherloc (09022015). Collection method: clinical testing. Allele origin: germline.
Comment: In summary, the available evidence is currently insufficient to determine the role of this variant in disease. Therefore, it has been classified as a Variant of Uncertain Significance. Algorithms developed to predict the effect of sequence changes on RNA splicing suggest that this variant may disrupt the consensus splice site. This variant has been observed in individual(s) with clinical features of hereditary hemochromatosis (Invitae). In at least one individual the data is consistent with being in trans (on the opposite chromosome) from a pathogenic variant. This variant is present in population databases (no rsID available, gnomAD 0.0009%). This sequence change falls in intron 2 of the HFE gene. It does not directly change the encoded amino acid sequence of the HFE protein.